The following is an entry in ClinVar:

NM_005702.4(ERAL1):c.1057C>T (p.Arg353Ter)

Genes: ERAL1 (Era like 12S mitochondrial rRNA chaperone 1; plus strand), LOC126862526 (BRD4-independent group 4 enhancer GRCh37_chr17:27185111-27186310; plus strand). Cytogenetic location: 17q11.2.
Variant type: single nucleotide variant.
Coding change: c.1057C>T on transcript NM_005702.4 (MANE Select); coding-DNA position 1057, C replaced by T.
Protein change: p.Arg353Ter; replaces arginine 353 with a stop codon.
Molecular consequence: nonsense. On other transcripts: non-coding transcript variant (1).
Genome position (GRCh38, 1-based): chr17:28,859,060, C>T. VCF-style: chr17-28859060-C-T. GRCh37 (hg19) VCF-style: chr17-27186078-C-T.
Other names: c.1054C>T, p.Arg352Ter (NM_001317985.2); c.808C>T, p.Arg270Ter (NM_001317986.2); c.1057C>T (NM_005702.3); short protein forms R270*, R352*, R353*.
Identifiers: ClinVar variation 4978461 (VCV004978461.1), dbSNP rs368953848.

ClinVar aggregate classification (germline): Likely benign (1 of 4 stars; one submission).

Conditions:
ERAL1-related disorder. Also called: ERAL1-related condition.

gnomAD v4.1: 96 of 1,614,058 alleles (0.0059%); highest among the groups gnomAD compares: East Asian, 0.0045%; no homozygotes.

Submission:

PreventionGenetics, part of Exact Sciences
Classification: Likely benign for ERAL1-related condition. Last evaluated: 2026-05-31. Review status: criteria provided, single submitter. Criteria: ACMG Guidelines, 2015. Collection method: clinical testing. Allele origin: germline.
Comment: This variant is classified as likely benign based on ACMG/AMP sequence variant interpretation guidelines (Richards et al. 2015 PMID: 25741868, with internal and published modifications).